The following is an entry in ClinVar:

ClinVar aggregate classification (germline): Pathogenic (1 of 4 stars; one submission).

Conditions:
Arthrogryposis, renal dysfunction, and cholestasis 1 (ARCS1). Identifiers: Orphanet 2697, MedGen C1859722, MONDO:0008822, OMIM 208085.

Submission:

3billion
Classification: Pathogenic for Arthrogryposis, renal dysfunction, and cholestasis 1. Last evaluated: 2024-06-22. Review status: criteria provided, single submitter. Criteria: ACMG Guidelines, 2015. Collection method: clinical testing. Allele origin: germline. Affected: yes.
Comment: The variant is not observed in the gnomAD v4.0.0 dataset. Predicted Consequence/Location: Frameshift: predicted to result in a loss or disruption of normal protein function through nonsense-mediated decay (NMD) or protein truncation. Multiple pathogenic variants are reported downstream of the variant. Therefore, this variant is classified as Pathogenic according to the recommendation of ACMG/AMP guideline.

NM_018668.5(VPS33B):c.1344del (p.Asp450fs)

Gene: VPS33B (VPS33B late endosome and lysosome associated; minus strand). Cytogenetic location: 15q26.1.
Variant type: Deletion.
Coding change: c.1344del on transcript NM_018668.5 (MANE Select); coding-DNA position 1344, one base deleted (C; older notation c.1344delC).
Protein change: p.Asp450fs; shifts the reading frame from aspartic acid 450.
Molecular consequence: frameshift variant.
Genome position (GRCh38, 1-based): chr15:91,002,111, G deleted on the plus strand (C on the coding strand, the reverse complement: VPS33B is on the minus strand); the first of 5 consecutive G bases (chr15:91,002,111-91,002,115); deleting any one gives the same sequence. VCF-style (leftmost placement, unchanged base first): chr15-91002110-CG-C. GRCh37 (hg19) VCF-style: chr15-91545340-CG-C.
Other names: c.1263del, p.Asp423fs (NM_001289148.1); c.1071del, p.Asp359fs (NM_001289149.1); short protein forms D359fs, D423fs, D450fs.
Identifiers: ClinVar variation 4293655 (VCV004293655.1).
Genomic context (GRCh38, chr15:91,002,110, plus strand): 5'-CTGCAGCCTTGTCGGTCACCAGCTTGCTCACTTTACTCTCCACGGCTGTGAGGGTGTCCC[CG>C]GGGGCCTGCTCCGTTAGGAGCCCAGCTCTTCGCAGATTGGAGAAGGTTAGCAGGTGCTCA-3'